The following is an entry in ClinVar:

NM_000104.4(CYP1B1):c.982_990del (p.Phe328_Ala330del)

Gene: CYP1B1 (cytochrome P450 family 1 subfamily B member 1; minus strand). Cytogenetic location: 2p22.2.
Variant type: Deletion.
Coding change: c.982_990del on transcript NM_000104.4 (MANE Select); coding-DNA positions 982 to 990, 9 bases deleted (TTCGGCGCC; older notation c.982_990delTTCGGCGCC).
Protein change: p.Phe328_Ala330del.
Molecular consequence: inframe deletion.
Genome position (GRCh38, 1-based): chr2:38,074,399-38,074,407, GGCGCCGAA deleted on the plus strand (TTCGGCGCC on the coding strand, the reverse complement: CYP1B1 is on the minus strand); deleting any 9 consecutive bases within chr2:38,074,399-38,074,408 gives the same sequence; the c. name uses the placement nearest the transcript's 3' end. VCF-style (leftmost placement, unchanged base first): chr2-38074398-TGGCGCCGAA-T. GRCh37 (hg19) VCF-style: chr2-38301541-TGGCGCCGAA-T.
Identifiers: ClinVar variation 2827579 (VCV002827579.3), dbSNP rs2465882990, ClinGen allele CA2739274322.

ClinVar aggregate classification (germline): Pathogenic (1 of 4 stars; one submission).

Conditions:
Congenital glaucoma. Identifiers: MedGen C0020302, MONDO:0020366.

Submission:

Labcorp Genetics (formerly Invitae), Labcorp
Classification: Pathogenic for Congenital glaucoma. Last evaluated: 2023-01-10. Review status: criteria provided, single submitter. Criteria: Invitae Variant Classification Sherloc (09022015). Collection method: clinical testing. Allele origin: germline.
Comment: For these reasons, this variant has been classified as Pathogenic. This variant disrupts a region of the CYP1B1 protein in which other variant(s) (p.Gly329Ser) have been determined to be pathogenic (PMID: 17363580, 22942166, 27243976). This suggests that this is a clinically significant region of the protein, and that variants that disrupt it are likely to be disease-causing. This variant has not been reported in the literature in individuals affected with CYP1B1-related conditions. This variant is not present in population databases (gnomAD no frequency). This variant, c.982_990del, results in the deletion of 3 amino acid(s) of the CYP1B1 protein (p.Phe328_Ala330del), but otherwise preserves the integrity of the reading frame.

Literature cited by the submitters: PubMed 17363580; PubMed 22942166; PubMed 27243976.